The following is an entry in ClinVar:

NM_000069.3(CACNA1S):c.28G>A (p.Gly10Ser)

Gene: CACNA1S (calcium voltage-gated channel subunit alpha1 S; minus strand). Cytogenetic location: 1q32.1.
Variant type: single nucleotide variant.
Coding change: c.28G>A on transcript NM_000069.3 (MANE Select); coding-DNA position 28, G replaced by A.
Protein change: p.Gly10Ser; replaces glycine 10 with serine.
Molecular consequence: missense variant.
Genome position (GRCh38, 1-based): chr1:201,112,312, C>T on the plus strand (G>A on the coding strand, the complement: CACNA1S is on the minus strand). VCF-style: chr1-201112312-C-T. GRCh37 (hg19) VCF-style: chr1-201081440-C-T.
Other names: c.28G>A (NM_000069.2); short protein forms G10S.
Identifiers: ClinVar variation 3075233 (VCV003075233.3), dbSNP rs371905958, ClinGen allele CA079364.

ClinVar aggregate classification (germline): Uncertain significance. Review status: criteria provided, multiple submitters, no conflicts (2 of 4 stars). 3 submissions from 3 submitters: Uncertain significance (3). Last evaluated 2025-11-10.

Conditions:
Malignant hyperthermia, susceptibility to, 5 (MHS5). Also called: CACNA1S-Related Malignant Hyperthermia Susceptibility. Identifiers: Orphanet 423, MedGen C1866077, MONDO:0011163, OMIM 601887.

Allele frequency attached by ClinVar (database versions not stated): gnomAD exomes below 0.00001; ExAC 0.00002; ESP Exome Variant Server 0.00008.
gnomAD v4.1: 5 of 1,613,898 alleles (0.00031%); highest among the groups gnomAD compares: Non-Finnish European, 0.00034%; no homozygotes.

Submissions (3):

Color Diagnostics, LLC DBA Color Health
Classification: Uncertain significance for Malignant hyperthermia, susceptibility to, 5. Last evaluated: 2025-11-10. Review status: criteria provided, single submitter. Criteria: ACMG Guidelines, 2015. Collection method: clinical testing. Allele origin: germline.
Comment: This missense variant replaces glycine with serine at codon 10 of the CACNA1S protein. Computational prediction suggests that this variant may not impact protein structure and function. To our knowledge, functional studies have not been reported for this variant. This variant has not been reported in individuals affected with CACNA1S-related disorders in the literature. This variant has been identified in 2/251480 chromosomes in the general population by the Genome Aggregation Database (gnomAD). The available evidence is insufficient to determine the role of this variant in disease conclusively. Therefore, this variant is classified as a Variant of Uncertain Significance.

GeneDx
Classification: Uncertain significance. Last evaluated: 2024-06-07. Review status: criteria provided, single submitter. Criteria: GeneDx Variant Classification Process June 2021. Collection method: clinical testing. Allele origin: germline. Affected: yes.
Comment: Not observed at significant frequency in large population cohorts (gnomAD); In silico analysis indicates that this missense variant does not alter protein structure/function; Has not been previously published as pathogenic or benign to our knowledge

All of Us Research Program, National Institutes of Health
Classification: Uncertain significance for Malignant hyperthermia, susceptibility to, 5. Last evaluated: 2024-01-03. Review status: criteria provided, single submitter. Criteria: ACMG Guidelines, 2015. Collection method: clinical testing. Allele origin: germline. Inheritance: Autosomal dominant inheritance. Observed: 1 variant allele, 1 heterozygote.
Comment: This missense variant replaces glycine with serine at codon 10 of the CACNA1S protein. Computational prediction suggests that this variant may not impact protein structure and function (internally defined REVEL score threshold <= 0.5, PMID: 27666373). To our knowledge, functional studies have not been reported for this variant. This variant has not been reported in individuals affected with CACNA1S-related disorders in the literature. This variant has been identified in 2/251480 chromosomes in the general population by the Genome Aggregation Database (gnomAD). The available evidence is insufficient to determine the role of this variant in disease conclusively. Therefore, this variant is classified as a Variant of Uncertain Significance.

This study involves interpretation of variants in research participants for the purpose of population health screening. Participant phenotype was not available at the time of variant classification. Additional details can be found in publication PMID: 35346344, PMCID: PMC8962531